The following is an entry in ClinVar:

ClinVar aggregate classification (germline): Benign/Likely benign. Review status: criteria provided, multiple submitters, no conflicts (2 of 4 stars). 7 submissions from 7 submitters: Benign (1); Likely benign (6). Last evaluated 2026-01-18.

Conditions:
Pheochromocytoma/paraganglioma syndrome 3. Also called: SDHC-Related Hereditary Paraganglioma-Pheochromocytoma Syndrome (Paragangliomas 3); SDHC-Related Hereditary Paraganglioma-Pheochromocytoma Syndrome; GLOMUS TUMORS, FAMILIAL, 3; Paragangliomas 3. Identifiers: Orphanet 29072, MedGen C1854336, MONDO:0011544, OMIM 605373.
Gastrointestinal stromal tumor. Also called: Gastrointestinal stromal tumor, somatic; Gastrointestinal stroma tumor. Identifiers: Orphanet 44890, MedGen C0238198, MeSH D046152, MONDO:0011719, OMIM 606764, HP:0100723.
Hereditary cancer-predisposing syndrome. Also called: Neoplastic Syndromes, Hereditary; Hereditary neoplastic syndrome; Tumor predisposition; Hereditary Cancer Syndrome. Identifiers: Orphanet 140162, MedGen C0027672, MeSH D009386, MONDO:0015356.
Carney-Stratakis syndrome. Also called: PARAGANGLIOMA AND GASTROINTESTINAL STROMAL TUMOR. Identifiers: Orphanet 97286, MedGen C1847319, MONDO:0011740, OMIM 606864.

Allele frequency attached by ClinVar (database versions not stated): ExAC 0.00007; gnomAD 0.00007 and 0.00008; ESP Exome Variant Server 0.00008; gnomAD exomes 0.00009; TOPMed 0.00009.
gnomAD v4.1: 136 of 1,612,776 alleles (0.0084%); highest among the groups gnomAD compares: Non-Finnish European, 0.011%; no homozygotes.

Submissions (7):

Labcorp Genetics (formerly Invitae), Labcorp
Classification: Likely benign for Pheochromocytoma/paraganglioma syndrome 3; Gastrointestinal stromal tumor. Last evaluated: 2026-01-18. Review status: criteria provided, single submitter. Criteria: Invitae Variant Classification Sherloc (09022015). Collection method: clinical testing. Allele origin: germline.

Center for Genomic Medicine, Rigshospitalet, Copenhagen University Hospital
Classification: Likely benign. Last evaluated: 2025-03-04. Review status: criteria provided, single submitter. Criteria: ACMG Guidelines, 2015. Collection method: clinical testing. Allele origin: germline.

Blueprint Genetics
Classification: Likely benign. Last evaluated: 2024-11-23. Review status: criteria provided, single submitter. Criteria: ACMG Guidelines, 2015. Collection method: clinical testing. Allele origin: germline.

ARUP Laboratories, Molecular Genetics and Genomics, ARUP Laboratories
Classification: Likely benign. Last evaluated: 2022-03-28. Review status: criteria provided, single submitter. Criteria: ARUP Molecular Germline Variant Investigation Process 2021. Collection method: clinical testing. Allele origin: germline.

Fulgent Genetics
Classification: Likely benign for Pheochromocytoma/paraganglioma syndrome 3; Gastrointestinal stromal tumor; Carney-Stratakis syndrome. Last evaluated: 2022-02-14. Review status: criteria provided, single submitter. Criteria: ACMG Guidelines, 2015. Collection method: clinical testing. Allele origin: unknown.

Sema4
Classification: Benign for Hereditary cancer-predisposing syndrome. Last evaluated: 2021-02-01. Review status: criteria provided, single submitter. Criteria: Sema4 Curation Guidelines. Collection method: curation. Allele origin: germline.

GeneDx
Classification: Likely benign. Last evaluated: 2017-12-01. Review status: criteria provided, single submitter. Criteria: GeneDx Variant Classification (06012015). Collection method: clinical testing. Allele origin: germline. Affected: yes.
Comment: This variant is considered likely benign or benign based on one or more of the following criteria: it is a conservative change, it occurs at a poorly conserved position in the protein, it is predicted to be benign by multiple in silico algorithms, and/or has population frequency not consistent with disease.

NM_003001.5(SDHC):c.405+13G>A

Gene: SDHC (succinate dehydrogenase complex subunit C; plus strand). Cytogenetic location: 1q23.3.
Variant type: single nucleotide variant.
Coding change: c.405+13G>A on transcript NM_003001.5 (MANE Select); 13 bases into the intron after coding-DNA position 405, G replaced by A.
Molecular consequence: intron variant.
Genome position (GRCh38, 1-based): chr1:161,356,853, G>A. VCF-style: chr1-161356853-G-A. GRCh37 (hg19) VCF-style: chr1-161326643-G-A.
Other names: c.294+13G>A (NM_001407119.1, NM_001407120.1); c.525+13G>A (NM_001407115.1); c.242-5476G>A (NM_001035511.3); c.303+13G>A (NM_001035512.3); c.140-5476G>A (NM_001278172.3); c.297+13G>A (NM_001407118.1); c.348+13G>A (NM_001407116.1); c.185-5476G>A (NM_001407121.1); and 2 more.
Identifiers: ClinVar variation 513930 (VCV000513930.16), dbSNP rs369274171, ClinGen allele CA046986.